The following is an entry in ClinVar:

NM_005548.3(KARS1):c.1742A>C (p.Asn581Thr)

Gene: KARS1 (lysyl-tRNA synthetase 1; minus strand). Cytogenetic location: 16q23.1.
Variant type: single nucleotide variant.
Coding change: c.1742A>C on transcript NM_005548.3 (MANE Select); coding-DNA position 1742, A replaced by C.
Protein change: p.Asn581Thr; replaces asparagine 581 with threonine.
Molecular consequence: missense variant.
Genome position (GRCh38, 1-based): chr16:75,627,947, T>G on the plus strand (A>C on the coding strand, the complement: KARS1 is on the minus strand). VCF-style: chr16-75627947-T-G. GRCh37 (hg19) VCF-style: chr16-75661845-T-G.
Other names: c.1826A>C, p.Asn609Thr (NM_001130089.2); c.1274A>C, p.Asn425Thr (NM_001378148.1); short protein forms N425T, N581T, N609T.
Identifiers: ClinVar variation 1120140 (VCV001120140.5), dbSNP rs117561624, ClinGen allele CA8177128.

ClinVar aggregate classification (germline): Conflicting classifications of pathogenicity. Review status: criteria provided, conflicting classifications (1 of 4 stars). 2 submissions from 2 submitters: Uncertain significance (1); Likely benign (1). Last evaluated 2023-11-15.

Allele frequency attached by ClinVar (database versions not stated): ExAC 0.00002; gnomAD 0.00002 and 0.00003; TOPMed 0.00003; 1000 Genomes Project 0.00020; 1000 Genomes Project 30x 0.00031.
gnomAD v4.1: 52 of 1,612,222 alleles (0.0032%); highest among the groups gnomAD compares: Non-Finnish European, 0.0042%; no homozygotes.

Submissions (2):

Blueprint Genetics
Classification: Uncertain significance. Last evaluated: 2023-11-15. Review status: criteria provided, single submitter. Criteria: ACMG Guidelines, 2015. Collection method: clinical testing. Allele origin: germline.

Laboratory for Molecular Medicine, Mass General Brigham Personalized Medicine
Classification: Likely benign. Last evaluated: 2020-06-02. Review status: criteria provided, single submitter. Criteria: LMM Criteria. Collection method: clinical testing. Allele origin: germline. Observed: 1 variant allele.
Comment: The p.Asn609Thr variant in KARS is classified as likely benign due to a lack of conservation across species. >10 mammals carry a threonine (Thr) at this position despite high nearby amino acid conservation. ACMG/AMP Criteria applied: BP4_Strong.